The following is an entry in ClinVar:

NM_003803.4(MYOM1):c.4903G>A (p.Gly1635Ser)

Gene: MYOM1 (myomesin 1; minus strand). Cytogenetic location: 18p11.31.
Variant type: single nucleotide variant.
Coding change: c.4903G>A on transcript NM_003803.4 (MANE Select); coding-DNA position 4903, G replaced by A.
Protein change: p.Gly1635Ser; replaces glycine 1635 with serine.
Molecular consequence: missense variant.
Genome position (GRCh38, 1-based): chr18:3,067,417, C>T on the plus strand (G>A on the coding strand, the complement: MYOM1 is on the minus strand). VCF-style: chr18-3067417-C-T. GRCh37 (hg19) VCF-style: chr18-3067415-C-T.
Other names: c.4615G>A, p.Gly1539Ser (NM_019856.2); short protein forms G1635S, G1539S.
Identifiers: ClinVar variation 239578 (VCV000239578.15), dbSNP rs200773357, ClinGen allele CA8873733.

ClinVar aggregate classification (germline): Conflicting classifications of pathogenicity. Review status: criteria provided, conflicting classifications (1 of 4 stars). 2 submissions from 2 submitters: Uncertain significance (1); Likely benign (1). Last evaluated 2026-01-27.

Conditions:
Hypertrophic cardiomyopathy. Also called: HYPERTROPHIC MYOCARDIOPATHY. Identifiers: Orphanet 217569, MedGen C0007194, MeSH D002312, MONDO:0005045, HP:0001639.

Allele frequency attached by ClinVar (database versions not stated): 1000 Genomes Project 30x 0.00016; 1000 Genomes Project 0.00020; TOPMed 0.00053; gnomAD 0.00057; ESP Exome Variant Server 0.00062.
gnomAD v4.1: 1,408 of 1,613,598 alleles (0.087%); highest among the groups gnomAD compares: Non-Finnish European, 0.11%; 2 homozygotes.

Submissions (2):

Labcorp Genetics (formerly Invitae), Labcorp
Classification: Likely benign for Hypertrophic cardiomyopathy. Last evaluated: 2026-01-27. Review status: criteria provided, single submitter. Criteria: Invitae Variant Classification Sherloc (09022015). Collection method: clinical testing. Allele origin: germline.

Ambry Genetics
Classification: Uncertain significance. Last evaluated: 2024-12-13. Review status: criteria provided, single submitter. Criteria: Ambry Variant Classification Scheme 2023. Collection method: clinical testing. Allele origin: germline.
Comment: The p.G1635S variant (also known as c.4903G>A), located in coding exon 37 of the MYOM1 gene, results from a G to A substitution at nucleotide position 4903. The glycine at codon 1635 is replaced by serine, an amino acid with similar properties. This amino acid position is conserved. In addition, this alteration is predicted to be tolerated by in silico analysis. Since supporting evidence is limited at this time, the clinical significance of this alteration remains unclear.